The following is an entry in ClinVar:

ClinVar aggregate classification (germline): Likely benign (0 of 4 stars; one submission).

Conditions:
SIM1-related disorder. Also called: SIM1-related disorders; SIM1-related condition.

Allele frequency attached by ClinVar (database versions not stated): TOPMed below 0.00001; gnomAD 0.00001.
gnomAD v4.1: 3 of 1,612,470 alleles (0.00019%); highest among the groups gnomAD compares: East Asian, 0.0022%; no homozygotes.

Submission:

PreventionGenetics, part of Exact Sciences
Classification: Likely benign for SIM1-related condition. Last evaluated: 2023-10-03. Review status: no assertion criteria provided. Collection method: clinical testing. Allele origin: germline.
Comment: This variant is classified as likely benign based on ACMG/AMP sequence variant interpretation guidelines (Richards et al. 2015 PMID: 25741868, with internal and published modifications).

NM_005068.3(SIM1):c.1242G>T (p.Thr414=)

Genes: SIM1 (SIM bHLH transcription factor 1; minus strand), SIM1-AS1 (SIM1 antisense RNA 1; plus strand). Cytogenetic location: 6q16.3.
Variant type: single nucleotide variant.
Coding change: c.1242G>T on transcript NM_005068.3 (MANE Select); coding-DNA position 1242, G replaced by T.
Protein change: p.Thr414=; no amino-acid change (threonine 414 retained).
Molecular consequence: synonymous variant. On other transcripts: non-coding transcript variant (1).
Genome position (GRCh38, 1-based): chr6:100,393,815, C>A on the plus strand (G>T on the coding strand, the complement: SIM1 is on the minus strand). VCF-style: chr6-100393815-C-A. GRCh37 (hg19) VCF-style: chr6-100841691-C-A.
Other names: c.1242G>T, p.Thr414= (NM_001374769.1).
Identifiers: ClinVar variation 3049201 (VCV003049201.2), dbSNP rs760403107, ClinGen allele CA451586513.